The following is an entry in ClinVar:

NM_014284.3(NCDN):c.642G>A (p.Ala214=)

Gene: NCDN (neurochondrin; plus strand). Cytogenetic location: 1p34.3.
Variant type: single nucleotide variant.
Coding change: c.642G>A on transcript NM_014284.3 (MANE Select); coding-DNA position 642, G replaced by A.
Protein change: p.Ala214=; no amino-acid change (alanine 214 retained).
Molecular consequence: synonymous variant.
Genome position (GRCh38, 1-based): chr1:35,560,793, G>A. VCF-style: chr1-35560793-G-A. GRCh37 (hg19) VCF-style: chr1-36026394-G-A.
Other names: c.642G>A, p.Ala214= (NM_001014839.2); c.591G>A, p.Ala197= (NM_001014841.2).
Identifiers: ClinVar variation 4990149 (VCV004990149.1).
Genomic context (GRCh38, chr1:35,560,793, plus strand): 5'-GGCCCTGGCACTCCTGGTGGGGCTGCTGGCTGCTGCCGAGACACAGTGCTGGAAGGAGGC[G>A]GAGCCCGACCTGCTGGCCGTGTTGCGGGGCCTCAGTGAGGATTTCCAGAAAGCTGAGGAT-3'
Protein context (NP_055099.1, residues 204-224): AAAETQCWKE[Ala214=]EPDLLAVLRG

ClinVar aggregate classification (germline): Likely benign (1 of 4 stars; one submission).

Conditions:
NCDN-related disorder. Also called: NCDN-related condition.

gnomAD v4.1: 16 of 1,613,510 alleles (0.00099%); highest among the groups gnomAD compares: Admixed American, 0.005%; no homozygotes.

Submission:

PreventionGenetics, part of Exact Sciences
Classification: Likely benign for NCDN-related condition. Last evaluated: 2026-07-02. Review status: criteria provided, single submitter. Criteria: ACMG Guidelines, 2015. Collection method: clinical testing. Allele origin: germline.
Comment: This variant is classified as likely benign based on ACMG/AMP sequence variant interpretation guidelines (Richards et al. 2015 PMID: 25741868, with internal and published modifications).